The following is an entry in ClinVar:

ClinVar aggregate classification (germline): Benign/Likely benign. Review status: criteria provided, multiple submitters, no conflicts (2 of 4 stars). 3 submissions from 3 submitters: Benign (1); Likely benign (2). Last evaluated 2018-06-26.

Conditions:
Factor VII-activating protease marburg I. Identifiers: MedGen CN068943.

Allele frequency attached by ClinVar (database versions not stated): gnomAD exomes 0.00075 and 0.00226; ExAC 0.00290; gnomAD 0.00827 and 0.00873; TOPMed 0.00907; ESP Exome Variant Server 0.01069; 1000 Genomes Project 0.01218; 1000 Genomes Project 30x 0.01249.
gnomAD v4.1: 2,437 of 1,612,434 alleles (0.15%); highest among the groups gnomAD compares: African/African-American, 2.7%; 28 homozygotes.

Submissions (3):

Labcorp Genetics (formerly Invitae), Labcorp
Classification: Benign. Last evaluated: 2018-06-26. Review status: criteria provided, single submitter. Criteria: Invitae Variant Classification Sherloc (09022015). Collection method: clinical testing. Allele origin: germline.

Illumina Laboratory Services, Illumina
Classification: Likely benign for Factor VII Marburg I Variant Thrombophilia. Last evaluated: 2018-01-12. Review status: criteria provided, single submitter. Criteria: ICSL Variant Classification Criteria 13 December 2019. Collection method: clinical testing. Allele origin: germline.
Comment: This variant was observed in the ICSL laboratory as part of a predisposition screen in an ostensibly healthy population. It had not been previously curated by ICSL or reported in the Human Gene Mutation Database (HGMD: prior to June 1st, 2018), and was therefore a candidate for classification through an automated scoring system. Utilizing variant allele frequency, disease prevalence and penetrance estimates, and inheritance mode, an automated score was calculated to assess if this variant is too frequent to cause the disease. Based on the score and internal cut-off values, a variant classified as likely benign is not then subjected to further curation. The score for this variant resulted in a classification of likely benign for this disease.

Breakthrough Genomics
Classification: Likely benign. Review status: criteria provided, single submitter. Criteria: ACMG Guidelines, 2015. Collection method: not provided. Allele origin: germline. Inheritance: Autosomal dominant inheritance. Affected: yes.

NM_004132.5(HABP2):c.405C>A (p.Arg135=)

Gene: HABP2 (hyaluronan binding protein 2; plus strand). Cytogenetic location: 10q25.3.
Variant type: single nucleotide variant.
Coding change: c.405C>A on transcript NM_004132.5 (MANE Select); coding-DNA position 405, C replaced by A.
Protein change: p.Arg135=; no amino-acid change (arginine 135 retained).
Molecular consequence: synonymous variant.
Genome position (GRCh38, 1-based): chr10:113,577,223, C>A. VCF-style: chr10-113577223-C-A. GRCh37 (hg19) VCF-style: chr10-115336982-C-A.
Other names: c.327C>A, p.Arg109= (NM_001177660.3).
Identifiers: ClinVar variation 716416 (VCV000716416.8), dbSNP rs7086714, ClinGen allele CA5693605.